The following is an entry in ClinVar:

ClinVar aggregate classification (germline): Benign/Likely benign. Review status: criteria provided, multiple submitters, no conflicts (2 of 4 stars). 4 submissions from 4 submitters: Benign (1); Likely benign (3). Last evaluated 2026-08-18.

Conditions:
Duane-radial ray syndrome (DRRS). Also called: ACRORENOOCULAR SYNDROME; DR SYNDROME; DUANE ANOMALY WITH RADIAL RAY ABNORMALITIES AND DEAFNESS; Duane-Radial Ray Syndrome/Okihiro Syndrome; Duane-Radial Ray Syndrome (DRRS) / Okihiro Syndrome; Okihiro Syndrome. Identifiers: Orphanet 93293, Orphanet 959, MedGen C1623209, MONDO:0011812, OMIM 607323. Disease mechanism: gain of function.
SALL4-Related Disorders. Also called: SALL4-related condition; SALL4-related disorder. Identifiers: MedGen CN381056.

Allele frequency attached by ClinVar (database versions not stated): ESP Exome Variant Server 0.00038; gnomAD exomes 0.00039 and 0.00051; gnomAD 0.00043; ExAC 0.00048; TOPMed 0.00049.
gnomAD v4.1: 807 of 1,613,954 alleles (0.05%); highest among the groups gnomAD compares: South Asian, 0.092%; 1 homozygote.

Submissions (4):

PreventionGenetics, part of Exact Sciences
Classification: Likely benign for SALL4-related condition. Last evaluated: 2026-08-18. Review status: criteria provided, single submitter. Criteria: ACMG Guidelines, 2015. Collection method: clinical testing. Allele origin: germline.
Comment: This variant is classified as likely benign based on ACMG/AMP sequence variant interpretation guidelines (Richards et al. 2015 PMID: 25741868, with internal and published modifications).

CeGaT Center for Human Genetics Tuebingen
Classification: Likely benign. Last evaluated: 2026-03-01. Review status: criteria provided, single submitter. Criteria: CeGaT Center For Human Genetics Tuebingen Variant Classification Criteria Version 2. Collection method: clinical testing. Allele origin: germline. Affected: yes. Observed: 3 variant alleles.
Comment: SALL4: BP4, BP7

Labcorp Genetics (formerly Invitae), Labcorp
Classification: Benign for Duane-radial ray syndrome. Last evaluated: 2025-10-11. Review status: criteria provided, single submitter. Criteria: Invitae Variant Classification Sherloc (09022015). Collection method: clinical testing. Allele origin: germline.

Blueprint Genetics
Classification: Likely benign. Last evaluated: 2024-11-07. Review status: criteria provided, single submitter. Criteria: ACMG Guidelines, 2015. Collection method: clinical testing. Allele origin: germline.

NM_020436.5(SALL4):c.2493A>G (p.Arg831=)

Gene: SALL4 (spalt like transcription factor 4; minus strand). Cytogenetic location: 20q13.2.
Variant type: single nucleotide variant.
Coding change: c.2493A>G on transcript NM_020436.5 (MANE Select); coding-DNA position 2493, A replaced by G.
Protein change: p.Arg831=; no amino-acid change (arginine 831 retained).
Molecular consequence: synonymous variant.
Genome position (GRCh38, 1-based): chr20:51,789,110, T>C on the plus strand (A>G on the coding strand, the complement: SALL4 is on the minus strand). VCF-style: chr20-51789110-T-C. GRCh37 (hg19) VCF-style: chr20-50405649-T-C.
Other names: c.2493A>G (NM_020436.4, LRG_675t1); c.1182A>G, p.Arg394= (NM_001318031.2).
Identifiers: ClinVar variation 338765 (VCV000338765.37), dbSNP rs79909922, ClinGen allele CA9912061.